The following is an entry in ClinVar:

ClinVar aggregate classification (germline): Uncertain significance (1 of 4 stars; one submission).

Allele frequency attached by ClinVar (database versions not stated): gnomAD exomes below 0.00001.

Submission:

Labcorp Genetics (formerly Invitae), Labcorp
Classification: Uncertain significance. Last evaluated: 2024-02-20. Review status: criteria provided, single submitter. Criteria: Invitae Variant Classification Sherloc (09022015). Collection method: clinical testing. Allele origin: germline.
Comment: This sequence change replaces threonine, which is neutral and polar, with serine, which is neutral and polar, at codon 201 of the IRF2BP2 protein (p.Thr201Ser). This variant is not present in population databases (gnomAD no frequency). This variant has not been reported in the literature in individuals affected with IRF2BP2-related conditions. ClinVar contains an entry for this variant (Variation ID: 2105090). An algorithm developed to predict the effect of missense changes on protein structure and function (PolyPhen-2) suggests that this variant is likely to be tolerated. In summary, the available evidence is currently insufficient to determine the role of this variant in disease. Therefore, it has been classified as a Variant of Uncertain Significance.

NM_182972.3(IRF2BP2):c.601A>T (p.Thr201Ser)

Genes: IRF2BP2 (interferon regulatory factor 2 binding protein 2; minus strand), LOC129932811 (ATAC-STARR-seq lymphoblastoid silent region 1976; plus strand). Cytogenetic location: 1q42.3.
Variant type: single nucleotide variant.
Coding change: c.601A>T on transcript NM_182972.3 (MANE Select); coding-DNA position 601, A replaced by T.
Protein change: p.Thr201Ser; replaces threonine 201 with serine.
Molecular consequence: missense variant.
Genome position (GRCh38, 1-based): chr1:234,608,894, T>A on the plus strand (A>T on the coding strand, the complement: IRF2BP2 is on the minus strand). VCF-style: chr1-234608894-T-A. GRCh37 (hg19) VCF-style: chr1-234744640-T-A.
Other names: c.601A>T, p.Thr201Ser (NM_001077397.1); short protein forms T201S.
Identifiers: ClinVar variation 2105090 (VCV002105090.4), dbSNP rs2102769741, ClinGen allele CA345309402.